The following is an entry in ClinVar:

NM_001267550.2(TTN):c.47570T>C (p.Ile15857Thr)

Genes: TTN (titin; minus strand), TTN-AS1 (TTN antisense RNA 1; plus strand). Cytogenetic location: 2q31.2.
Variant type: single nucleotide variant.
Coding change: c.47570T>C on transcript NM_001267550.2 (MANE Select); coding-DNA position 47570, T replaced by C.
Protein change: p.Ile15857Thr; replaces isoleucine 15857 with threonine.
Molecular consequence: missense variant.
Genome position (GRCh38, 1-based): chr2:178,617,781, A>G on the plus strand (T>C on the coding strand, the complement: TTN is on the minus strand). VCF-style: chr2-178617781-A-G. GRCh37 (hg19) VCF-style: chr2-179482508-A-G.
Other names: c.42647T>C, p.Ile14216Thr (NM_001256850.1); c.20375T>C, p.Ile6792Thr (NM_003319.4); c.39866T>C, p.Ile13289Thr (NM_133378.4); c.20750T>C, p.Ile6917Thr (NM_133432.3); c.20951T>C, p.Ile6984Thr (NM_133437.4); short protein forms I13289T, I15857T, I14216T, I6917T, I6792T, I6984T.
Identifiers: ClinVar variation 332854 (VCV000332854.7), dbSNP rs886055272, ClinGen allele CA10611671.

ClinVar aggregate classification (germline): Uncertain significance. Review status: criteria provided, multiple submitters, no conflicts (2 of 4 stars). 7 submissions from 3 submitters: Uncertain significance (7). Last evaluated 2021-08-10.

Conditions:
Dilated cardiomyopathy 1G (CMD1G). Identifiers: Orphanet 154, MedGen C1858763, MONDO:0011400, OMIM 604145.
Autosomal recessive limb-girdle muscular dystrophy type 2J (LGMDR10). Also called: MUSCULAR DYSTROPHY, LIMB-GIRDLE, AUTOSOMAL RECESSIVE 10; Limb-girdle muscular dystrophy, type 2J. Identifiers: Orphanet 140922, MedGen C1837342, MONDO:0012127, OMIM 608807.
Early-onset myopathy with fatal cardiomyopathy (CMYO5). Also called: CONGENITAL MYOPATHY 5 WITH CARDIOMYOPATHY; Salih Myopathy. Identifiers: Orphanet 289377, MedGen C2673677, MONDO:0012714, OMIM 611705. Disease mechanism: loss of function.
Hypertrophic cardiomyopathy 9. Also called: Familial hypertrophic cardiomyopathy 9. Identifiers: MedGen C1861065, MONDO:0013412, OMIM 613765.
Tibial muscular dystrophy (TMD). Also called: Udd Distal Myopathy – Tibial Muscular Dystrophy; UDD MYOPATHY; Tibial muscular dystrophy, tardive. Identifiers: Orphanet 609, MedGen C1838244, MONDO:0010870, OMIM 600334.
Myopathy, myofibrillar, 9, with early respiratory failure (MFM9). Also called: Myopathy, distal, with early respiratory failure, autosomal dominant; Hereditary myopathy with early respiratory failure; EDSTROM MYOPATHY; MYOPATHY, PROXIMAL, WITH EARLY RESPIRATORY MUSCLE INVOLVEMENT. Identifiers: Orphanet 178464, Orphanet 34521, MedGen C1863599, MONDO:0011362, OMIM 603689.

Allele frequency attached by ClinVar (database versions not stated): gnomAD exomes below 0.00001 and 0.00002; gnomAD 0.00003; TOPMed 0.00003.
gnomAD v4.1: 40 of 1,612,048 alleles (0.0025%); highest among the groups gnomAD compares: African/African-American, 0.0053%; no homozygotes.

Submissions (7):

Fulgent Genetics
Classification: Uncertain significance for Tibial muscular dystrophy; Myopathy, myofibrillar, 9, with early respiratory failure; Dilated cardiomyopathy 1G; Autosomal recessive limb-girdle muscular dystrophy type 2J; Early-onset myopathy with fatal cardiomyopathy; Hypertrophic cardiomyopathy 9. Last evaluated: 2021-08-10. Review status: criteria provided, single submitter. Criteria: ACMG Guidelines, 2015. Collection method: clinical testing. Allele origin: unknown.

GeneDx
Classification: Uncertain significance. Last evaluated: 2019-10-17. Review status: criteria provided, single submitter. Criteria: GeneDx Variant Classification Process June 2021. Collection method: clinical testing. Allele origin: germline. Affected: yes.
Comment: Not observed at a significant frequency in large population cohorts (Lek et al., 2016); Missense variant in a gene in which most reported pathogenic variants are truncating/loss-of-function; Has not been previously published as pathogenic or benign to our knowledge

Illumina Laboratory Services, Illumina
Classification: Uncertain significance for Myopathy, myofibrillar, 9, with early respiratory failure. Last evaluated: 2018-01-13. Review status: criteria provided, single submitter. Criteria: ICSL Variant Classification Criteria 13 December 2019. Collection method: clinical testing. Allele origin: germline.

Illumina Laboratory Services, Illumina
Classification: Uncertain significance for Early-onset myopathy with fatal cardiomyopathy. Last evaluated: 2018-01-13. Review status: criteria provided, single submitter. Criteria: ICSL Variant Classification Criteria 13 December 2019. Collection method: clinical testing. Allele origin: germline.

Illumina Laboratory Services, Illumina
Classification: Uncertain significance for Dilated cardiomyopathy 1G. Last evaluated: 2018-01-13. Review status: criteria provided, single submitter. Criteria: ICSL Variant Classification Criteria 13 December 2019. Collection method: clinical testing. Allele origin: germline.

Illumina Laboratory Services, Illumina
Classification: Uncertain significance for Tibial muscular dystrophy. Last evaluated: 2018-01-13. Review status: criteria provided, single submitter. Criteria: ICSL Variant Classification Criteria 13 December 2019. Collection method: clinical testing. Allele origin: germline.

Illumina Laboratory Services, Illumina
Classification: Uncertain significance for Autosomal recessive limb-girdle muscular dystrophy type 2J. Last evaluated: 2018-01-13. Review status: criteria provided, single submitter. Criteria: ICSL Variant Classification Criteria 13 December 2019. Collection method: clinical testing. Allele origin: germline.